The following is an entry in ClinVar:

NM_003221.4(TFAP2B):c.1267G>C (p.Glu423Gln)

Gene: TFAP2B (transcription factor AP-2 beta; plus strand). Cytogenetic location: 6p12.3.
Variant type: single nucleotide variant.
Coding change: c.1267G>C on transcript NM_003221.4 (MANE Select); coding-DNA position 1267, G replaced by C.
Protein change: p.Glu423Gln; replaces glutamic acid 423 with glutamine.
Molecular consequence: missense variant.
Genome position (GRCh38, 1-based): chr6:50,843,276, G>C. VCF-style: chr6-50843276-G-C. GRCh37 (hg19) VCF-style: chr6-50810989-G-C.
Other names: short protein forms E423Q.
Identifiers: ClinVar variation 2629413 (VCV002629413.1), dbSNP rs886061567, ClinGen allele CA10627126.

ClinVar aggregate classification (germline): Uncertain significance (1 of 4 stars; one submission).

Conditions:
TFAP2B-related disorder. Also called: TFAP2B-related condition.

Allele frequency attached by ClinVar (database versions not stated): gnomAD exomes below 0.00001.
gnomAD v4.1: 20 of 1,614,202 alleles (0.0012%); highest among the groups gnomAD compares: East Asian, 0.0022%; no homozygotes.

Submission:

PreventionGenetics, part of Exact Sciences
Classification: Uncertain significance for TFAP2B-related condition. Last evaluated: 2022-11-10. Review status: criteria provided, single submitter. Criteria: ACMG Guidelines, 2015. Collection method: clinical testing. Allele origin: germline.
Comment: The TFAP2B c.1267G>C variant is predicted to result in the amino acid substitution p.Glu423Gln. To our knowledge, this variant has not been reported in the literature. This variant is reported in 0.0% of alleles in individuals of African descent in gnomAD. At this time, the clinical significance of this variant is uncertain due to the absence of conclusive functional and genetic evidence.